The following is an entry in ClinVar:

ClinVar aggregate classification (germline): Uncertain significance (1 of 4 stars; one submission).

Submission:

Laboratorio de Genetica e Diagnostico Molecular, Hospital Israelita Albert Einstein
Classification: Uncertain significance. Last evaluated: 2021-10-08. Review status: criteria provided, single submitter. Criteria: ACMG Guidelines, 2015. Collection method: clinical testing. Allele origin: germline. Affected: yes.
Comment: ACMG classification criteria: PM2, PM3, PM4

NM_020702.5(MYORG):c.912_914del (p.Ser305del)

Gene: MYORG (myogenesis regulating glycosidase (putative); minus strand). Cytogenetic location: 9p13.3.
Variant type: Deletion.
Coding change: c.912_914del on transcript NM_020702.5 (MANE Select); coding-DNA positions 912 to 914, 3 bases deleted (GTC; older notation c.912_914delGTC).
Protein change: p.Ser305del; deletes serine 305.
Molecular consequence: inframe deletion.
Genome position (GRCh38, 1-based): chr9:34,372,030-34,372,032, GAC deleted on the plus strand (GTC on the coding strand, the reverse complement: MYORG is on the minus strand); deleting any 3 consecutive bases within chr9:34,372,030-34,372,033 gives the same sequence; the c. name uses the placement nearest the transcript's 3' end. VCF-style (leftmost placement, unchanged base first): chr9-34372029-TGAC-T. GRCh37 (hg19) VCF-style: chr9-34372027-TGAC-T.
Other names: short protein forms S305del.
Identifiers: ClinVar variation 1690475 (VCV001690475.2), dbSNP rs1284757068, ClinGen allele CA863477424.
Genomic context (GRCh38, chr9:34,372,029, plus strand): 5'-CCCGTACAGCGCCCATGTGGACCAAATGGGGTCTCGGAAGGCCTCGGGTGCTGGCACCCT[TGAC>T]GGCTTGTTGAAGTAGCGACGCACCATGTACTTGTGGATGGAGGTGACGTCTGAGCCCACG-3'